The following is an entry in ClinVar:

ClinVar aggregate classification (germline): Uncertain significance (1 of 4 stars; one submission).

Allele frequency attached by ClinVar (database versions not stated): ExAC 0.00001; gnomAD exomes 0.00001 and 0.00003; TOPMed 0.00002; gnomAD 0.00003.
gnomAD v4.1: 50 of 1,611,578 alleles (0.0031%); highest among the groups gnomAD compares: Middle Eastern, 0.016%; no homozygotes.

Submission:

Labcorp Genetics (formerly Invitae), Labcorp
Classification: Uncertain significance. Last evaluated: 2025-10-26. Review status: criteria provided, single submitter. Criteria: Invitae Variant Classification Sherloc (09022015). Collection method: clinical testing. Allele origin: germline.
Comment: This sequence change replaces lysine, which is basic and polar, with glutamic acid, which is acidic and polar, at codon 349 of the BACH2 protein (p.Lys349Glu). This variant is present in population databases (rs758145400, gnomAD 0.003%). This variant has not been reported in the literature in individuals affected with BACH2-related conditions. ClinVar contains an entry for this variant (Variation ID: 1493454). Invitae Evidence Modeling of protein sequence and biophysical properties (such as structural, functional, and spatial information, amino acid conservation, physicochemical variation, residue mobility, and thermodynamic stability) indicates that this missense variant is not expected to disrupt BACH2 protein function with a negative predictive value of 80%. In summary, the available evidence is currently insufficient to determine the role of this variant in disease. Therefore, it has been classified as a Variant of Uncertain Significance.

NM_021813.4(BACH2):c.1045A>G (p.Lys349Glu)

Gene: BACH2 (BACH transcriptional regulator 2; minus strand). Cytogenetic location: 6q15.
Variant type: single nucleotide variant.
Coding change: c.1045A>G on transcript NM_021813.4 (MANE Select); coding-DNA position 1045, A replaced by G.
Protein change: p.Lys349Glu; replaces lysine 349 with glutamic acid.
Molecular consequence: missense variant.
Genome position (GRCh38, 1-based): chr6:89,951,061, T>C on the plus strand (A>G on the coding strand, the complement: BACH2 is on the minus strand). VCF-style: chr6-89951061-T-C. GRCh37 (hg19) VCF-style: chr6-90660780-T-C.
Other names: c.1045A>G, p.Lys349Glu (NM_001170794.2); short protein forms K349E.
Identifiers: ClinVar variation 1493454 (VCV001493454.8), dbSNP rs758145400, ClinGen allele CA3928055.